The following is an entry in ClinVar:

NM_001033855.3(DCLRE1C):c.780+10C>T

Gene: DCLRE1C (DNA cross-link repair 1C; minus strand). Cytogenetic location: 10p13.
Variant type: single nucleotide variant.
Coding change: c.780+10C>T on transcript NM_001033855.3 (MANE Select); 10 bases into the intron after coding-DNA position 780, C replaced by T.
Molecular consequence: intron variant.
Genome position (GRCh38, 1-based): chr10:14,932,844, G>A on the plus strand (C>T on the coding strand, the complement: DCLRE1C is on the minus strand). VCF-style: chr10-14932844-G-A. GRCh37 (hg19) VCF-style: chr10-14974843-G-A.
Other names: p.?; c.435+10C>T (NM_001350966.2, NM_001289078.2, NM_001289076.2 and 1 more transcripts); c.780+10C>T (NM_001350965.2); c.420+10C>T (NM_001350967.2, NM_001289077.2, NM_001289079.2 and 2 more transcripts).
Identifiers: ClinVar variation 257181 (VCV000257181.27), dbSNP rs35927251, ClinGen allele CA5416689.
Genomic context (GRCh38, chr10:14,932,844, plus strand): 5'-GGAAGCCCTGACCTTTCTTCTTTTTCATAGATTACACAAACAATACGAGAGGAATCACTT[G>A]CACACGTACCTTGGGATGCCGGCATGCATGGATCTGAGTGTTGCGGTCTGTTGTGAGATG-3'

ClinVar aggregate classification (germline): Benign. Review status: criteria provided, multiple submitters, no conflicts (2 of 4 stars). 11 submissions from 10 submitters: Benign (10). 1 of the submissions does not count toward it. Last evaluated 2026-02-04.

Conditions:
Histiocytic medullary reticulosis. Also called: SEVERE COMBINED IMMUNODEFICIENCY WITH HYPEREOSINOPHILIA; Omenn syndrome. Identifiers: Orphanet 39041, MedGen C2700553, MONDO:0011338, OMIM 603554.
Severe combined immunodeficiency due to DCLRE1C deficiency (RS-SCID). Also called: SCID, AUTOSOMAL RECESSIVE, T CELL-NEGATIVE, B CELL-NEGATIVE, NK CELL-POSITIVE, WITH SENSITIVITY TO IONIZING RADIATION. Identifiers: Orphanet 275, MedGen C1865371, MONDO:0011225, OMIM 602450.

Allele frequency attached by ClinVar (database versions not stated): 1000 Genomes Project 0.15994; gnomAD 0.17425 and 0.17583; TOPMed 0.18028; 1000 Genomes Project 30x 0.16240; ESP Exome Variant Server 0.16984.
gnomAD v4.1: 276,730 of 1,612,202 alleles (17%); highest among the groups gnomAD compares: Admixed American, 23%; 24,398 homozygotes.

Submissions (13):

Labcorp Genetics (formerly Invitae), Labcorp
Classification: Benign for Athabaskan severe combined immunodeficiency. Last evaluated: 2026-02-04. Review status: criteria provided, single submitter. Criteria: Invitae Variant Classification Sherloc (09022015). Collection method: clinical testing. Allele origin: germline.

Unidad de Genómica Garrahan, Hospital de Pediatría Garrahan
Classification: Benign. Last evaluated: 2024-01-24. Review status: criteria provided, single submitter. Criteria: ACMG Guidelines, 2015. Collection method: clinical testing. Allele origin: germline. Affected: no. Observed: 33 variant alleles.
Comment: This variant is classified as Benign based on local population frequency. This variant was detected in 38% of patients studied by a panel of primary immunodeficiencies. Number of patients: 33. Only high quality variants are reported.

Genome-Nilou Lab
Classification: Benign for Histiocytic medullary reticulosis. Last evaluated: 2021-07-30. Review status: criteria provided, single submitter. Criteria: ACMG Guidelines, 2015. Collection method: clinical testing. Allele origin: germline. Affected: no.

Genome-Nilou Lab
Classification: Benign for Severe combined immunodeficiency due to DCLRE1C deficiency. Last evaluated: 2021-07-01. Review status: criteria provided, single submitter. Criteria: ACMG Guidelines, 2015. Collection method: clinical testing. Allele origin: germline. Affected: no.

Mayo Clinic Laboratories, Mayo Clinic
Classification: Benign. Last evaluated: 2018-04-19. Review status: criteria provided, single submitter. Criteria: ACMG Guidelines, 2015. Collection method: clinical testing. Allele origin: germline. Observed: 143 variant alleles.

Illumina Laboratory Services, Illumina
Classification: Benign for Histiocytic medullary reticulosis. Last evaluated: 2018-01-13. Review status: criteria provided, single submitter. Criteria: ICSL Variant Classification Criteria 13 December 2019. Collection method: clinical testing. Allele origin: germline.
Comment: This variant was observed in the ICSL laboratory as part of a predisposition screen in an ostensibly healthy population. It had not been previously curated by ICSL or reported in the Human Gene Mutation Database (HGMD: prior to June 1st, 2018), and was therefore a candidate for classification through an automated scoring system. Utilizing variant allele frequency, disease prevalence and penetrance estimates, and inheritance mode, an automated score was calculated to assess if this variant is too frequent to cause the disease. Based on the score and internal cut-off values, a variant classified as benign is not then subjected to further curation. The score for this variant resulted in a classification of benign for this disease.

Laboratory for Molecular Medicine, Mass General Brigham Personalized Medicine
Classification: Benign. Last evaluated: 2016-03-28. Review status: criteria provided, single submitter. Criteria: LMM Criteria. Collection method: clinical testing. Allele origin: germline.
Comment: Variant identified in a genome or exome case(s) and assessed due to predicted null impact of the variant or pathogenic assertions in the literature or databases. Disclaimer: This variant has not undergone full assessment. The following are preliminary notes: Frequency

GeneDx
Classification: Benign. Last evaluated: 2015-03-03. Review status: criteria provided, single submitter. Criteria: GeneDx Variant Classification Process June 2021. Collection method: clinical testing. Allele origin: germline. Affected: yes.

Breakthrough Genomics
Classification: Benign. Review status: criteria provided, single submitter. Criteria: ACMG Guidelines, 2015. Collection method: not provided. Allele origin: germline. Inheritance: Autosomal recessive inheritance. Affected: yes.

PreventionGenetics, part of Exact Sciences
Classification: Benign. Review status: criteria provided, single submitter. Criteria: ACMG Guidelines, 2015. Collection method: clinical testing. Allele origin: germline.

Natera, Inc.
Classification: Benign for Omenn syndrome. Last evaluated: 2020-09-16. Review status: no assertion criteria provided. Collection method: clinical testing. Allele origin: germline. Not counted in ClinVar's aggregate classification.

Dr. Peter K. Rogan Lab, Western University
No classification provided (evidence only). Condition: Malignant lymphoma, large B-cell, diffuse. Review status: no classification provided. Collection method: in vitro. Allele origin: not applicable. Functional consequence: retained intron. Not counted in ClinVar's aggregate classification.

Dr. Peter K. Rogan Lab, Western University
No classification provided (evidence only). Condition: Uterine carcinosarcoma. Review status: no classification provided. Collection method: in vitro. Allele origin: not applicable. Functional consequence: retained intron. Not counted in ClinVar's aggregate classification.